The following is an entry in ClinVar:

ClinVar aggregate classification (germline): Conflicting classifications of pathogenicity. Review status: criteria provided, conflicting classifications (1 of 4 stars). 2 submissions from 2 submitters: Likely pathogenic (1); Uncertain significance (1). Last evaluated 2024-04-16.

Conditions:
Arrhythmogenic right ventricular cardiomyopathy (ARVD). Also called: Arrhythmogenic cardiomyopathy; Cardiomyopathy, ARVC; Arrhythmogenic right ventricular dysplasia; Arrhythmogenic Right Ventricular Cardiomyopathy (ARVC). Identifiers: Orphanet 247, MedGen C0349788, MeSH D019571, MONDO:0016587. Disease mechanism: loss of function. Inheritance: Various modes of inheritance.
Arrhythmogenic right ventricular dysplasia 9 (ARVD9). Also called: Arrhythmogenic Right Ventricular Dysplasia/Cardiomyopathy 9; ARRHYTHMOGENIC RIGHT VENTRICULAR DYSPLASIA, FAMILIAL, 9. Identifiers: MedGen C1836906, MONDO:0012180, OMIM 609040.

gnomAD v4.1: 1 of 506,840 alleles (0.0002%); highest among the groups gnomAD compares: Admixed American, 0.0022%; no homozygotes.

Submissions (2):

All of Us Research Program, National Institutes of Health
Classification: Uncertain significance for Arrhythmogenic right ventricular cardiomyopathy. Last evaluated: 2024-04-16. Review status: criteria provided, single submitter. Criteria: ACMG Guidelines, 2015. Collection method: clinical testing. Allele origin: germline. Inheritance: Autosomal dominant inheritance. Observed: 1 variant allele, 1 heterozygote.
Comment: This variant causes a G>A nucleotide substitution at the +1 position of intron 6 of the PKP2 gene. Splice prediction tools suggest that this variant may disrupt splicing. This variant is predicted to cause skipping of exon 6 of the PKP2 transcript NM_004572.3. However, this exon is alternatively spliced and is absent in the predominant isoform expressed in the heart (NM_001005242, PMID: 21378009). To our knowledge, functional studies have not been performed for this variant. This variant has not been reported in individuals affected with cardiovascular disorders in the literature. This variant has not been identified in the general population by the Genome Aggregation Database (gnomAD). The available evidence is insufficient to determine the role of this variant in disease conclusively. Therefore, this variant is classified as a Variant of Uncertain Significance.

This study involves interpretation of variants in research participants for the purpose of population health screening. Participant phenotype was not available at the time of variant classification. Additional details can be found in publication PMID: 35346344, PMCID: PMC8962531

Labcorp Genetics (formerly Invitae), Labcorp
Classification: Likely pathogenic for Arrhythmogenic right ventricular dysplasia 9. Last evaluated: 2023-10-07. Review status: criteria provided, single submitter. Criteria: Invitae Variant Classification Sherloc (09022015). Collection method: clinical testing. Allele origin: germline.
Comment: This sequence change affects a donor splice site in intron 6 of the PKP2 gene. It is expected to disrupt RNA splicing. Variants that disrupt the donor or acceptor splice site typically lead to a loss of protein function (PMID: 16199547), and loss-of-function variants in PKP2 are known to be pathogenic (PMID: 15489853, 23911551). This variant is not present in population databases (gnomAD no frequency). This variant has not been reported in the literature in individuals affected with PKP2-related conditions. ClinVar contains an entry for this variant (Variation ID: 640418). Algorithms developed to predict the effect of sequence changes on RNA splicing suggest that this variant may disrupt the consensus splice site. In summary, the currently available evidence indicates that the variant is pathogenic, but additional data are needed to prove that conclusively. Therefore, this variant has been classified as Likely Pathogenic.

Literature cited by the submitters: PubMed 21378009 (cited by All of Us Research Program, National Institutes of Health); PubMed 16199547 (cited by Labcorp Genetics (formerly Invitae), Labcorp); PubMed 15489853 (cited by Labcorp Genetics (formerly Invitae), Labcorp); PubMed 23911551 (cited by Labcorp Genetics (formerly Invitae), Labcorp).

NM_001005242.3(PKP2):c.1379-1976G>A

Gene: PKP2 (plakophilin 2; minus strand). Cytogenetic location: 12p11.21.
Variant type: single nucleotide variant.
Coding change: c.1379-1976G>A on transcript NM_001005242.3 (MANE Select); 1976 bases into the intron before coding-DNA position 1379, G replaced by A.
Molecular consequence: intron variant. On other transcripts: splice donor variant (2).
Genome position (GRCh38, 1-based): chr12:32,843,181, C>T on the plus strand (G>A on the coding strand, the complement: PKP2 is on the minus strand). VCF-style: chr12-32843181-C-T. GRCh37 (hg19) VCF-style: chr12-32996115-C-T.
Other names: c.1052-1976G>A (NM_001407162.1, NM_001407160.1, NM_001407159.1 and 1 more transcripts); c.1379-1976G>A (NM_001407156.1, NM_001407155.1, NM_001407161.1); c.1510+1G>A (NM_004572.4, NM_001407157.1).
Identifiers: ClinVar variation 640418 (VCV000640418.10), dbSNP rs1332615728, ClinGen allele CA384368538.